The following is an entry in ClinVar:

NM_018418.5(SPATA7):c.769C>T (p.Arg257Cys)

Gene: SPATA7 (spermatogenesis associated 7; plus strand). Cytogenetic location: 14q31.3.
Variant type: single nucleotide variant.
Coding change: c.769C>T on transcript NM_018418.5 (MANE Select); coding-DNA position 769, C replaced by T.
Protein change: p.Arg257Cys; replaces arginine 257 with cysteine.
Molecular consequence: missense variant.
Genome position (GRCh38, 1-based): chr14:88,426,628, C>T. VCF-style: chr14-88426628-C-T. GRCh37 (hg19) VCF-style: chr14-88892972-C-T.
Other names: c.673C>T, p.Arg225Cys (NM_001040428.4); short protein forms R257C, R225C.
Identifiers: ClinVar variation 4982653 (VCV004982653.1).

ClinVar aggregate classification (germline): Uncertain significance (1 of 4 stars; one submission).

Conditions:
SPATA7-related disorder. Also called: SPATA7-related disorders; SPATA7-related condition. Identifiers: MedGen CN239422.

Submission:

PreventionGenetics, part of Exact Sciences
Classification: Uncertain significance for SPATA7-related condition. Last evaluated: 2026-08-10. Review status: criteria provided, single submitter. Criteria: ACMG Guidelines, 2015. Collection method: clinical testing. Allele origin: germline.
Comment: The SPATA7 c.769C>T variant is predicted to result in the amino acid substitution p.Arg257Cys. To our knowledge, this variant has not been reported in the literature. This variant is reported in 0.0082% of alleles in individuals of African descent in gnomAD. At this time, the clinical significance of this variant is uncertain due to the absence of conclusive functional and genetic evidence.